The following is an entry in ClinVar:

ClinVar aggregate classification (germline): Conflicting classifications of pathogenicity. Review status: criteria provided, conflicting classifications (1 of 4 stars). 8 submissions from 7 submitters: Uncertain significance (5); Benign (1); Likely benign (2). Last evaluated 2026-01-13.

Conditions:
USH2A-related disorder. Also called: USH2A-related condition; USH2A-related disorders. Identifiers: MedGen CN239332.
Retinitis pigmentosa 39 (RP39). Identifiers: Orphanet 791, MedGen C3151138, MONDO:0013436, OMIM 613809.
Usher syndrome type 2A. Also called: RETINAL DISEASE IN USHER SYNDROME TYPE IIA, MODIFIER OF; USHER SYNDROME, TYPE IIA. Identifiers: Orphanet 231178, Orphanet 886, MedGen C1848634, MONDO:0010169, OMIM 276901.
Retinitis pigmentosa (RP). Identifiers: Orphanet 791, MedGen C0035334, MeSH D012174, MONDO:0019200, OMIM 268000. Inheritance: Autosomal dominant, autosomal recessive and X linked inheritance.

Allele frequency attached by ClinVar (database versions not stated): gnomAD 0.00009 and 0.00010; gnomAD exomes 0.00009 and 0.00022; ExAC 0.00010; TOPMed 0.00010.
gnomAD v4.1: 158 of 1,612,940 alleles (0.0098%); highest among the groups gnomAD compares: Admixed American, 0.012%; 1 homozygote.

Submissions (8):

Labcorp Genetics (formerly Invitae), Labcorp
Classification: Likely benign. Last evaluated: 2026-01-13. Review status: criteria provided, single submitter. Criteria: Invitae Variant Classification Sherloc (09022015). Collection method: clinical testing. Allele origin: germline.

PreventionGenetics, part of Exact Sciences
Classification: Uncertain significance for USH2A-related condition. Last evaluated: 2025-11-25. Review status: criteria provided, single submitter. Criteria: ACMG Guidelines, 2015. Collection method: clinical testing. Allele origin: germline.
Comment: The USH2A c.3139C>G variant is predicted to result in the amino acid substitution p.Leu1047Val. This variant has been observed in heterozygous state in two individuals with Usher syndrome and was concluded non-pathogenic as did not co-segregate with disease in some affected individuals within families (Seyedahmadi et al. 2004. PubMed ID: 15325563). This variant is reported in 0.38% of alleles in individuals of Ashkenazi Jewish descent in gnomAD. Although we suspect that this variant may be benign, at this time, the clinical significance of this variant is uncertain due to the absence of conclusive functional and genetic evidence.

Blueprint Genetics
Classification: Likely benign. Last evaluated: 2024-09-30. Review status: criteria provided, single submitter. Criteria: ACMG Guidelines, 2015. Collection method: clinical testing. Allele origin: germline.

Department of Pathology and Laboratory Medicine, Sinai Health System
Classification: Uncertain significance for Usher syndrome type 2A; Retinitis pigmentosa 39. Last evaluated: 2020-08-28. Review status: criteria provided, single submitter. Criteria: ACMG Guidelines, 2015. Collection method: research. Allele origin: germline.

Illumina Laboratory Services, Illumina
Classification: Uncertain significance for Retinitis pigmentosa. Last evaluated: 2017-09-15. Review status: criteria provided, single submitter. Criteria: ICSL Variant Classification Criteria 13 December 2019. Collection method: clinical testing. Allele origin: germline.
Comment: This variant was observed as part of a predisposition screen in an ostensibly healthy population. A literature search was performed for the gene, cDNA change, and amino acid change (where applicable). Publications were found based on this search. However, the evidence from the literature, in combination with allele frequency data from public databases where available, was not sufficient to rule this variant in or out of causing disease. Therefore, this variant is classified as a variant of unknown significance.

Illumina Laboratory Services, Illumina
Classification: Uncertain significance for Usher syndrome type 2A. Last evaluated: 2017-04-27. Review status: criteria provided, single submitter. Criteria: ICSL Variant Classification Criteria 13 December 2019. Collection method: clinical testing. Allele origin: germline.

GeneDx
Classification: Benign. Last evaluated: 2015-03-03. Review status: criteria provided, single submitter. Criteria: GeneDx Variant Classification Process June 2021. Collection method: clinical testing. Allele origin: germline. Affected: yes.

Laboratory for Molecular Medicine, Mass General Brigham Personalized Medicine
Classification: Uncertain significance. Last evaluated: 2013-07-17. Review status: criteria provided, single submitter. Criteria: LMM Criteria. Collection method: clinical testing. Allele origin: germline. Observed: 1 variant allele.
Comment: Variant classified as Uncertain Significance - Favor Benign. The Leu1047Val vari ant in USH2A has been reported in 2 individuals with autosomal recessive retinit is pigmentosa, however it was not reported whether these individuals had a secon d variant in the USH2A gene (Jiad-Seyed-Ahmadi, 2003). This variant was not iden tified in large population. Computational analysis (biochemical amino acid prope rties, AlignGVGD, PolyPhen2, and SIFT) suggest the variant may not impact the pr otein, and the Leu1047 residue is not conserved across species with rock hyrax having a valine (Val) at that position. However, this data is not sufficient to rule out a pathogenic role. In summary, the clinical significance of this varian t cannot be determined; however based upon the lack of conservation and the comp utational data, we would lean toward a likely benign role.

Literature cited by the submitters: PubMed 15325563 (cited by Illumina Laboratory Services, Illumina).

NM_206933.4(USH2A):c.3139C>G (p.Leu1047Val)

Genes: USH2A (usherin; minus strand), USH2A-AS1 (USH2A antisense RNA 1; plus strand). Cytogenetic location: 1q41.
Variant type: single nucleotide variant.
Coding change: c.3139C>G on transcript NM_206933.4 (MANE Select); coding-DNA position 3139, C replaced by G.
Protein change: p.Leu1047Val; replaces leucine 1047 with valine.
Molecular consequence: missense variant.
Genome position (GRCh38, 1-based): chr1:216,217,405, G>C on the plus strand (C>G on the coding strand, the complement: USH2A is on the minus strand). VCF-style: chr1-216217405-G-C. GRCh37 (hg19) VCF-style: chr1-216390747-G-C.
Other names: c.3139C>G, p.Leu1047Val (NM_007123.6); short protein forms L1047V.
Identifiers: ClinVar variation 166512 (VCV000166512.24), dbSNP rs727503735, ClinGen allele CA179578.